The following is an entry in ClinVar:

ClinVar aggregate classification (germline): Uncertain significance (1 of 4 stars; one submission).

Conditions:
CEP290-related disorder. Also called: CEP290-related condition; CEP290-related disorders. Identifiers: MedGen CN239314.

Submission:

PreventionGenetics, part of Exact Sciences
Classification: Uncertain significance for CEP290-related condition. Last evaluated: 2026-05-13. Review status: criteria provided, single submitter. Criteria: ACMG Guidelines, 2015. Collection method: clinical testing. Allele origin: germline.
Comment: The CEP290 c.4912T>C variant is predicted to result in the amino acid substitution p.Ser1638Pro. To our knowledge, this variant has not been reported in the literature or in a large population database (gnomAD), indicating this variant is rare. At this time, the clinical significance of this variant is uncertain due to the absence of conclusive functional and genetic evidence.

NM_025114.4(CEP290):c.4912T>C (p.Ser1638Pro)

Gene: CEP290 (centrosomal protein 290; minus strand). Cytogenetic location: 12q21.32.
Variant type: single nucleotide variant.
Coding change: c.4912T>C on transcript NM_025114.4 (MANE Select); coding-DNA position 4912, T replaced by C.
Protein change: p.Ser1638Pro; replaces serine 1638 with proline.
Molecular consequence: missense variant.
Genome position (GRCh38, 1-based): chr12:88,083,131, A>G on the plus strand (T>C on the coding strand, the complement: CEP290 is on the minus strand). VCF-style: chr12-88083131-A-G. GRCh37 (hg19) VCF-style: chr12-88476908-A-G.
Other names: short protein forms S1638P.
Identifiers: ClinVar variation 4991661 (VCV004991661.1).